The following is an entry in ClinVar:

NC_000023.10:g.(?_107841912)_(107845239_?)del

Gene: COL4A5 (collagen type IV alpha 5 chain; plus strand). Cytogenetic location: Xq22.3.
Variant type: Deletion.
Identifiers: ClinVar variation 1076345 (VCV001076345.5).

ClinVar aggregate classification (germline): Pathogenic (1 of 4 stars; one submission).

Submission:

Labcorp Genetics (formerly Invitae), Labcorp
Classification: Pathogenic. Last evaluated: 2020-10-13. Review status: criteria provided, single submitter. Criteria: Invitae Variant Classification Sherloc (09022015). Collection method: clinical testing. Allele origin: germline.
Comment: For these reasons, this variant has been classified as Pathogenic. Loss-of-function variants in COL4A5 are known to be pathogenic (PMID: 9195222, 10752524, 14514738, 24854265, 26809805). This variant has not been reported in the literature in individuals with COL4A5-related conditions. This variant is an out-of-frame deletion of the genomic region encompassing exon(s) 25-27 of the COL4A5 gene. This is expected to create a premature translational stop signal and result in an absent or disrupted protein product.

Literature cited by the submitters: PubMed 9195222; PubMed 10752524; PubMed 14514738; PubMed 24854265; PubMed 26809805.